The following is an entry in ClinVar:

ClinVar aggregate classification (germline): Uncertain significance (1 of 4 stars; one submission).

gnomAD v4.1: 3 of 1,613,298 alleles (0.00019%); highest among the groups gnomAD compares: Admixed American, 0.0017%; no homozygotes.

Submission:

GeneDx
Classification: Uncertain significance. Last evaluated: 2024-11-07. Review status: criteria provided, single submitter. Criteria: GeneDx Variant Classification Process June 2021. Collection method: clinical testing. Allele origin: germline. Affected: yes.
Comment: Not observed at significant frequency in large population cohorts (gnomAD); In silico analysis supports that this missense variant has a deleterious effect on protein structure/function; Has not been previously published as pathogenic or benign to our knowledge

NM_206933.4(USH2A):c.9127C>T (p.Pro3043Ser)

Gene: USH2A (usherin; minus strand). Cytogenetic location: 1q41.
Variant type: single nucleotide variant.
Coding change: c.9127C>T on transcript NM_206933.4 (MANE Select); coding-DNA position 9127, C replaced by T.
Protein change: p.Pro3043Ser; replaces proline 3043 with serine.
Molecular consequence: missense variant.
Genome position (GRCh38, 1-based): chr1:215,844,425, G>A on the plus strand (C>T on the coding strand, the complement: USH2A is on the minus strand). VCF-style: chr1-215844425-G-A. GRCh37 (hg19) VCF-style: chr1-216017767-G-A.
Other names: short protein forms P3043S.
Identifiers: ClinVar variation 3898935 (VCV003898935.1).